The following is an entry in ClinVar:

NM_006907.4(PYCR1):c.404A>G (p.Tyr135Cys)

Gene: PYCR1 (pyrroline-5-carboxylate reductase 1; minus strand). Cytogenetic location: 17q25.3.
Variant type: single nucleotide variant.
Coding change: c.404A>G on transcript NM_006907.4 (MANE Select); coding-DNA position 404, A replaced by G.
Protein change: p.Tyr135Cys; replaces tyrosine 135 with cysteine.
Molecular consequence: missense variant.
Genome position (GRCh38, 1-based): chr17:81,935,062, T>C on the plus strand (A>G on the coding strand, the complement: PYCR1 is on the minus strand). VCF-style: chr17-81935062-T-C. GRCh37 (hg19) VCF-style: chr17-79892938-T-C.
Other names: c.485A>G, p.Tyr162Cys (NM_001282281.2); c.404A>G, p.Tyr135Cys (NM_001330523.2, NM_153824.3, NM_001282279.2 and 1 more transcripts); short protein forms Y135C, Y162C.
Identifiers: ClinVar variation 4538722 (VCV004538722.1).

ClinVar aggregate classification (germline): Uncertain significance (1 of 4 stars; one submission).

Submission:

GeneDx
Classification: Uncertain significance. Last evaluated: 2025-06-17. Review status: criteria provided, single submitter. Criteria: GeneDx Variant Classification Process June 2021. Collection method: clinical testing. Allele origin: germline. Affected: yes.
Comment: Not observed at significant frequency in large population cohorts (gnomAD); In silico analysis supports that this missense variant has a deleterious effect on protein structure/function; Has not been previously published as pathogenic or benign to our knowledge